The following is an entry in ClinVar:

NM_031308.4(EPPK1):c.2313C>T (p.Asn771=)

Gene: EPPK1 (epiplakin 1; minus strand). Cytogenetic location: 8q24.3.
Variant type: single nucleotide variant.
Coding change: c.2313C>T on transcript NM_031308.4 (MANE Select); coding-DNA position 2313, C replaced by T.
Protein change: p.Asn771=; no amino-acid change (asparagine 771 retained).
Molecular consequence: synonymous variant.
Genome position (GRCh38, 1-based): chr8:143,870,941, G>A on the plus strand (C>T on the coding strand, the complement: EPPK1 is on the minus strand). VCF-style: chr8-143870941-G-A. GRCh37 (hg19) VCF-style: chr8-144945109-G-A.
Identifiers: ClinVar variation 3045821 (VCV003045821.2), dbSNP rs782185790, ClinGen allele CA4923107.

ClinVar aggregate classification (germline): Likely benign (0 of 4 stars; one submission).

Conditions:
EPPK1-related disorder. Also called: EPPK1-related condition.

Allele frequency attached by ClinVar (database versions not stated): ExAC 0.00001; gnomAD exomes 0.00001; TOPMed 0.00002; gnomAD 0.00003.
gnomAD v4.1: 10 of 1,613,416 alleles (0.00062%); highest among the groups gnomAD compares: African/African-American, 0.0027%; no homozygotes.

Submission:

PreventionGenetics, part of Exact Sciences
Classification: Likely benign for EPPK1-related condition. Last evaluated: 2022-08-13. Review status: no assertion criteria provided. Collection method: clinical testing. Allele origin: germline.
Comment: This variant is classified as likely benign based on ACMG/AMP sequence variant interpretation guidelines (Richards et al. 2015 PMID: 25741868, with internal and published modifications).